The following is an entry in ClinVar:

ClinVar aggregate classification (germline): Uncertain significance (1 of 4 stars; one submission).

Conditions:
DICER1-related tumor predisposition. Also called: DICER1-related pleuropulmonary blastoma cancer predisposition syndrome; DICER1 syndrome. Identifiers: Orphanet 284343, MedGen C3839822, MONDO:0100216.

Submission:

Labcorp Genetics (formerly Invitae), Labcorp
Classification: Uncertain significance for DICER1-related tumor predisposition. Last evaluated: 2025-05-05. Review status: criteria provided, single submitter. Criteria: Invitae Variant Classification Sherloc (09022015). Collection method: clinical testing. Allele origin: germline.
Comment: This sequence change replaces glutamine, which is neutral and polar, with leucine, which is neutral and non-polar, at codon 766 of the DICER1 protein (p.Gln766Leu). This variant is not present in population databases (gnomAD no frequency). This variant has not been reported in the literature in individuals affected with DICER1-related conditions. Invitae Evidence Modeling of protein sequence and biophysical properties (such as structural, functional, and spatial information, amino acid conservation, physicochemical variation, residue mobility, and thermodynamic stability) indicates that this missense variant is not expected to disrupt DICER1 protein function with a negative predictive value of 95%. In summary, the available evidence is currently insufficient to determine the role of this variant in disease. Therefore, it has been classified as a Variant of Uncertain Significance.

NM_177438.3(DICER1):c.2297A>T (p.Gln766Leu)

Gene: DICER1 (dicer 1, ribonuclease III; minus strand). Cytogenetic location: 14q32.13.
Variant type: single nucleotide variant.
Coding change: c.2297A>T on transcript NM_177438.3 (MANE Select); coding-DNA position 2297, A replaced by T.
Protein change: p.Gln766Leu; replaces glutamine 766 with leucine.
Molecular consequence: missense variant. On other transcripts: non-coding transcript variant (6).
Genome position (GRCh38, 1-based): chr14:95,108,463, T>A on the plus strand (A>T on the coding strand, the complement: DICER1 is on the minus strand). VCF-style: chr14-95108463-T-A. GRCh37 (hg19) VCF-style: chr14-95574800-T-A.
Other names: c.1892A>T, p.Gln631Leu (NM_001395687.1, NM_001395688.1, NM_001395689.1 and 2 more transcripts); c.1730A>T, p.Gln577Leu (NM_001395691.1); c.2297A>T, p.Gln766Leu (NM_001395692.1, NM_001395693.1, NM_001395694.1 and 12 more transcripts); c.614A>T, p.Gln205Leu (NM_001395697.1); c.2015A>T, p.Gln672Leu (NM_001395686.1); short protein forms Q766L, Q205L, Q631L, Q672L, Q577L.
Identifiers: ClinVar variation 4746816 (VCV004746816.1).
Genomic context (GRCh38, chr14:95,108,463, plus strand): 5'-TTGAGTTCATCAGGTAAAGGTGTAGTTAAAACCATTCCTATCACATACAGGTAACAGGGC[T>A]GATCAGGTCTGGGATAACTATCCCTCAAACACTCTGGAATCTAGAGTTGGAAAGGAAAAT-3'
Protein context (NP_803187.1, residues 756-776): CLRDSYPRPD[Gln766Leu]PCYLYVIGMV